The following is an entry in ClinVar:

ClinVar aggregate classification (germline): Uncertain significance. Review status: criteria provided, multiple submitters, no conflicts (2 of 4 stars). 2 submissions from 2 submitters: Uncertain significance (2). Last evaluated 2024-07-05.

Conditions:
Developmental and epileptic encephalopathy, 1 (DEE1). Also called: X-linked infantile spasms; West's syndrome; Tonic spasms with clustering, arrest of psychomotor development and hypsarrhythmia on EEG; X-Linked Infantile Spasm Syndrome; OHTAHARA SYNDROME, X-LINKED; INFANTILE SPASM SYNDROME, X-LINKED 1. Identifiers: MedGen C3463992, MONDO:0010632, OMIM 308350. Disease mechanism: loss of function.
Autosomal recessive spinocerebellar ataxia 12. Also called: SPINOCEREBELLAR ATAXIA WITH MENTAL RETARDATION AND EPILEPSY. Identifiers: Orphanet 284282, MedGen C3280452, MONDO:0013687, OMIM 614322.

Allele frequency attached by ClinVar (database versions not stated): gnomAD exomes 0.00002; TOPMed 0.00002; gnomAD 0.00001; ExAC 0.00002.
gnomAD v4.1: 22 of 1,614,062 alleles (0.0014%); highest among the groups gnomAD compares: Non-Finnish European, 0.0018%; no homozygotes.

Submissions (2):

GeneDx
Classification: Uncertain significance. Last evaluated: 2024-07-05. Review status: criteria provided, single submitter. Criteria: GeneDx Variant Classification Process June 2021. Collection method: clinical testing. Allele origin: germline. Affected: yes.
Comment: Not observed at significant frequency in large population cohorts (gnomAD); In silico analysis supports that this missense variant has a deleterious effect on protein structure/function; Has not been previously published as pathogenic or benign to our knowledge

Labcorp Genetics (formerly Invitae), Labcorp
Classification: Uncertain significance for Developmental and epileptic encephalopathy, 1; Autosomal recessive spinocerebellar ataxia 12. Last evaluated: 2022-08-19. Review status: criteria provided, single submitter. Criteria: Invitae Variant Classification Sherloc (09022015). Collection method: clinical testing. Allele origin: germline.
Comment: This variant has not been reported in the literature in individuals affected with WWOX-related conditions. In summary, the available evidence is currently insufficient to determine the role of this variant in disease. Therefore, it has been classified as a Variant of Uncertain Significance. Algorithms developed to predict the effect of missense changes on protein structure and function are either unavailable or do not agree on the potential impact of this missense change (SIFT: "Not Available"; PolyPhen-2: "Benign"; Align-GVGD: "Not Available"). ClinVar contains an entry for this variant (Variation ID: 1042925). This variant is present in population databases (rs768904294, gnomAD 0.005%). This sequence change replaces phenylalanine, which is neutral and non-polar, with valine, which is neutral and non-polar, at codon 348 of the WWOX protein (p.Phe348Val).

NM_016373.4(WWOX):c.1042T>G (p.Phe348Val)

Gene: WWOX (WW domain containing oxidoreductase; plus strand). Cytogenetic location: 16q23.1.
Variant type: single nucleotide variant.
Coding change: c.1042T>G on transcript NM_016373.4 (MANE Select); coding-DNA position 1042, T replaced by G.
Protein change: p.Phe348Val; replaces phenylalanine 348 with valine.
Molecular consequence: missense variant.
Genome position (GRCh38, 1-based): chr16:78,432,738, T>G. VCF-style: chr16-78432738-T-G. GRCh37 (hg19) VCF-style: chr16-78466635-T-G.
Other names: c.703T>G, p.Phe235Val (NM_001291997.2); c.1042T>G (NM_016373.2); short protein forms F235V, F348V.
Identifiers: ClinVar variation 1042925 (VCV001042925.9), dbSNP rs768904294, ClinGen allele CA8183612.